The following is an entry in ClinVar:

NM_201384.3(PLEC):c.1759C>T (p.Arg587Trp)

Gene: PLEC (plectin; minus strand). Cytogenetic location: 8q24.3.
Variant type: single nucleotide variant.
Coding change: c.1759C>T on transcript NM_201384.3 (MANE Select); coding-DNA position 1759, C replaced by T.
Protein change: p.Arg587Trp; replaces arginine 587 with tryptophan.
Molecular consequence: missense variant.
Genome position (GRCh38, 1-based): chr8:143,932,691, G>A on the plus strand (C>T on the coding strand, the complement: PLEC is on the minus strand). VCF-style: chr8-143932691-G-A. GRCh37 (hg19) VCF-style: chr8-145006859-G-A.
Other names: c.1840C>T, p.Arg614Trp (NM_000445.5); c.1717C>T, p.Arg573Trp (NM_201378.4); c.1693C>T, p.Arg565Trp (NM_201379.3); c.2170C>T, p.Arg724Trp (NM_201380.4); c.1663C>T, p.Arg555Trp (NM_201381.3); c.1759C>T, p.Arg587Trp (NM_201382.4); c.1771C>T, p.Arg591Trp (NM_201383.3); short protein forms R565W, R573W, R591W, R614W, R724W, R587W, R555W.
Identifiers: ClinVar variation 567914 (VCV000567914.9), dbSNP rs554022624, ClinGen allele CA4927863.
Genomic context (GRCh38, chr8:143,932,691, plus strand): 5'-TCACCAGCAGCTTGGCGTACTGCAGGTCCAGCCGACCCAGGCAGTCACGGTAGGCACCCC[G>A]GGTGGCGGGGGAGAGCTGGCCCTGCAACAGATGAGACGGTGAGGTCTGCAGTGGCTGGGC-3'
Protein context (NP_958786.1, residues 577-597): SDEGQLSPAT[Arg587Trp]GAYRDCLGRL

ClinVar aggregate classification (germline): Uncertain significance. Review status: criteria provided, multiple submitters, no conflicts (2 of 4 stars). 2 submissions from 2 submitters: Uncertain significance (2). Last evaluated 2025-06-22.

Conditions:
Epidermolysis bullosa simplex, Ogna type (EBS5A). Also called: Pidermolysis bullosa simplex 5A, Ogna type; EPIDERMOLYSIS BULLOSA SIMPLEX 5A, OGNA TYPE. Identifiers: Orphanet 79401, MedGen C0432317, MONDO:0007555, OMIM 131950.
Autosomal recessive limb-girdle muscular dystrophy type 2Q (LGMDR17). Also called: MUSCULAR DYSTROPHY, LIMB-GIRDLE, AUTOSOMAL RECESSIVE 17. Identifiers: Orphanet 254361, MedGen C3150989, MONDO:0013390, OMIM 613723.
Epidermolysis bullosa simplex 5C, with pyloric atresia (EBS5C). Also called: PLEC-Related Epidermolysis Bullosa with Pyloric Atresia; Epidermolysis bullosa simplex with pyloric atresia; PLEC1-Related Epidermolysis Bullosa with Pyloric Atresia. Identifiers: Orphanet 158684, MedGen C2677349, MONDO:0012807, OMIM 612138.
Epidermolysis bullosa simplex 5B, with muscular dystrophy (EBS5B). Also called: EPIDERMOLYSIS BULLOSA SIMPLEX AND LIMB-GIRDLE MUSCULAR DYSTROPHY; Epidermolysis bullosa simplex with muscular dystrophy. Identifiers: Orphanet 257, MedGen C2931072, MONDO:0009181, OMIM 226670.
Epidermolysis bullosa simplex with nail dystrophy (EBS5D). Identifiers: MedGen C4225309, MONDO:0014661, OMIM 616487.

Allele frequency attached by ClinVar (database versions not stated): gnomAD 0.00001; TOPMed 0.00002; ExAC 0.00005; gnomAD exomes 0.00006; 1000 Genomes Project 30x 0.00016; 1000 Genomes Project 0.00020.
gnomAD v4.1: 26 of 1,607,658 alleles (0.0016%); highest among the groups gnomAD compares: South Asian, 0.013%; no homozygotes.

Submissions (2):

Labcorp Genetics (formerly Invitae), Labcorp
Classification: Uncertain significance for Autosomal recessive limb-girdle muscular dystrophy type 2Q; Epidermolysis bullosa simplex, Ogna type; Epidermolysis bullosa simplex with nail dystrophy; Epidermolysis bullosa simplex 5C, with pyloric atresia; Epidermolysis bullosa simplex 5B, with muscular dystrophy. Last evaluated: 2025-06-22. Review status: criteria provided, single submitter. Criteria: Invitae Variant Classification Sherloc (09022015). Collection method: clinical testing. Allele origin: germline.
Comment: This sequence change replaces arginine, which is basic and polar, with tryptophan, which is neutral and slightly polar, at codon 614 of the PLEC protein (p.Arg614Trp). This variant is present in population databases (rs554022624, gnomAD 0.03%). This missense change has been observed in individual(s) with epidermolysis bullosa (PMID: 35579050). ClinVar contains an entry for this variant (Variation ID: 567914). Experimental studies and prediction algorithms are not available or were not evaluated, and the functional significance of this variant is currently unknown. In summary, the available evidence is currently insufficient to determine the role of this variant in disease. Therefore, it has been classified as a Variant of Uncertain Significance.

Revvity Omics, Revvity
Classification: Uncertain significance. Last evaluated: 2021-03-24. Review status: criteria provided, single submitter. Criteria: ACMG Guidelines, 2015. Collection method: clinical testing. Allele origin: germline.

Literature cited by the submitters: PubMed 35579050 (cited by Labcorp Genetics (formerly Invitae), Labcorp).